The following is an entry in ClinVar:

ClinVar aggregate classification (germline): Pathogenic/Likely pathogenic. Review status: criteria provided, multiple submitters, no conflicts (2 of 4 stars). 4 submissions from 3 submitters: Pathogenic (1); Likely pathogenic (3). Last evaluated 2025-09-06.

Conditions:
PCWH syndrome. Also called: WAARDENBURG-SHAH SYNDROME, NEUROLOGIC VARIANT. Identifiers: Orphanet 163746, MedGen C1836727, MONDO:0012198, OMIM 609136.
Waardenburg syndrome type 4C (WS4C). Also called: WAARDENBURG SYNDROME WITH HIRSCHSPRUNG DISEASE, TYPE 4C. Identifiers: Orphanet 897, MedGen C2750452, MONDO:0013202, OMIM 613266.

Submissions (4):

GeneDx
Classification: Likely pathogenic. Last evaluated: 2025-09-06. Review status: criteria provided, single submitter. Criteria: GeneDx Variant Classification Process June 2021. Collection method: clinical testing. Allele origin: germline. Affected: yes.
Comment: Reported as a de novo variant in published literature; clinical information not provided (PMID: 37236975); Not observed at significant frequency in large population cohorts (gnomAD); In silico analysis supports that this missense variant has a deleterious effect on protein structure/function; This variant is associated with the following publications: (PMID: 37236975)

Institute of Human Genetics, University of Leipzig Medical Center
Classification: Pathogenic for PCWH syndrome. Last evaluated: 2020-12-28. Review status: criteria provided, single submitter. Criteria: ACMG Guidelines, 2015. Collection method: clinical testing. Allele origin: de novo. Affected: yes.
Comment: This variant was identified as de novo (maternity and paternity confirmed).

Institute of Human Genetics, University of Leipzig Medical Center
Classification: Likely pathogenic for Waardenburg syndrome type 4C. Last evaluated: 2019-01-01. Review status: criteria provided, single submitter. Criteria: ACMG Guidelines, 2015. Collection method: clinical testing. Allele origin: unknown. Affected: yes.

Genomic Medicine Lab, University of California San Francisco
Classification: Likely pathogenic for PCWH syndrome. Last evaluated: 2018-09-06. Review status: criteria provided, single submitter. Criteria: ACMG Guidelines, 2015. Collection method: clinical testing. Allele origin: de novo. Inheritance: Autosomal dominant inheritance. Affected: yes. Study: CSER.

NM_006941.4(SOX10):c.404G>A (p.Ser135Asn)

Genes: POLR2F (RNA polymerase II, I and III subunit F; plus strand), SOX10 (SRY-box transcription factor 10; minus strand). Cytogenetic location: 22q13.1.
Variant type: single nucleotide variant.
Coding change: c.404G>A on transcript NM_006941.4 (MANE Select); coding-DNA position 404, G replaced by A.
Protein change: p.Ser135Asn; replaces serine 135 with asparagine.
Molecular consequence: missense variant. On other transcripts: intron variant (3).
Genome position (GRCh38, 1-based): chr22:37,983,381, C>T on the plus strand (G>A on the coding strand, the complement: SOX10 is on the minus strand). VCF-style: chr22-37983381-C-T. GRCh37 (hg19) VCF-style: chr22-38379388-C-T.
Other names: c.*38+11071C>T (NM_001363825.1); c.294-2773C>T (NM_001301130.2); c.293+16211C>T (NM_001301131.2); short protein forms S135N.
Identifiers: ClinVar variation 816906 (VCV000816906.6), dbSNP rs74315515, ClinGen allele CA411500121.
Genomic context (GRCh38, chr22:37,983,381, plus strand): 5'-AGAGGGCCCGAGCCCGGGGGGCGGTCGGGTGCTCACCTCCAGAGCTTGCCCAGCGTCTTG[C>T]TGAGCTCAGCGTTGTGCAGGTGCGGGTACTGGTCCGCGAGCTTCCTGCGCGCTGCCTGAG-3'
Protein context (NP_008872.1, residues 125-145): QYPHLHNAEL[Ser135Asn]KTLGKLWRLL